The following is an entry in ClinVar:

NM_004360.5(CDH1):c.2046G>A (p.Glu682=)

Gene: CDH1 (cadherin 1; plus strand). Cytogenetic location: 16q22.1.
Variant type: single nucleotide variant.
Coding change: c.2046G>A on transcript NM_004360.5 (MANE Select); coding-DNA position 2046, G replaced by A.
Protein change: p.Glu682=; no amino-acid change (glutamic acid 682 retained).
Molecular consequence: synonymous variant.
Genome position (GRCh38, 1-based): chr16:68,823,508, G>A. VCF-style: chr16-68823508-G-A. GRCh37 (hg19) VCF-style: chr16-68857411-G-A.
Other names: c.1863G>A, p.Glu621= (NM_001317184.2); c.498G>A, p.Glu166= (NM_001317185.2); c.81G>A, p.Glu27= (NM_001317186.2); c.2046G>A (LRG_301t1).
Identifiers: ClinVar variation 184406 (VCV000184406.26), dbSNP rs753209043, ClinGen allele CA188865.

ClinVar aggregate classification (germline): Benign/Likely benign. Review status: criteria provided, multiple submitters, no conflicts (2 of 4 stars). 9 submissions from 9 submitters: Benign (1); Likely benign (7). 1 of the submissions does not count toward it. Last evaluated 2026-01-20.

Conditions:
Hereditary cancer-predisposing syndrome. Also called: Neoplastic Syndromes, Hereditary; Hereditary neoplastic syndrome; Hereditary Cancer Syndrome; Tumor predisposition. Identifiers: Orphanet 140162, MedGen C0027672, MeSH D009386, MONDO:0015356.
Hereditary diffuse gastric adenocarcinoma (HDGC). Also called: DIFFUSE GASTRIC AND LOBULAR BREAST CANCER SYNDROME. Identifiers: Orphanet 26106, MedGen C1708349, MONDO:0007648, OMIM 137215.
Prostate cancer. Also called: Malignant tumor of prostate. Identifiers: Orphanet 1331, MedGen C0376358, MONDO:0008315, HP:0012125.
Malignant tumor of breast. Also called: Malignant breast neoplasm; Cancer breast. Identifiers: MedGen C0006142, MONDO:0007254. Disease mechanism: loss of function.

Allele frequency attached by ClinVar (database versions not stated): gnomAD exomes 0.00002 and 0.00001; gnomAD 0.00001; ExAC 0.00001.
gnomAD v4.1: 29 of 1,613,986 alleles (0.0018%); highest among the groups gnomAD compares: Non-Finnish European, 0.0025%; no homozygotes.

Submissions (9):

Labcorp Genetics (formerly Invitae), Labcorp
Classification: Likely benign for Hereditary diffuse gastric adenocarcinoma. Last evaluated: 2026-01-20. Review status: criteria provided, single submitter. Criteria: Invitae Variant Classification Sherloc (09022015). Collection method: clinical testing. Allele origin: germline.

Center for Genomic Medicine, Rigshospitalet, Copenhagen University Hospital
Classification: Likely benign. Last evaluated: 2025-03-04. Review status: criteria provided, single submitter. Criteria: ACMG Guidelines, 2015. Collection method: clinical testing. Allele origin: germline.

Myriad Genetics, Inc.
Classification: Benign for Hereditary diffuse gastric adenocarcinoma. Last evaluated: 2024-09-20. Review status: criteria provided, single submitter. Criteria: Myriad Autosomal Dominant, Autosomal Recessive and X-Linked Classification Criteria (2023). Collection method: clinical testing. Allele origin: unknown.
Comment: This variant is considered benign. This variant is a silent/synonymous amino acid change and it is not expected to impact splicing.

KCCC/NGS Laboratory, Kuwait Cancer Control Center
Classification: Likely benign for Familial prostate cancer. Last evaluated: 2023-07-07. Review status: criteria provided, single submitter. Criteria: ACMG Guidelines, 2015. Collection method: clinical testing. Allele origin: germline. Affected: yes.

GeneDx
Classification: Likely benign. Last evaluated: 2019-12-06. Review status: criteria provided, single submitter. Criteria: GeneDx Variant Classification Process June 2021. Collection method: clinical testing. Allele origin: germline. Affected: yes.

Women's Health and Genetics/Laboratory Corporation of America, LabCorp
Classification: Likely benign. Last evaluated: 2019-10-31. Review status: criteria provided, single submitter. Criteria: LabCorp Variant Classification Summary - May 2015. Collection method: clinical testing. Allele origin: germline.

Color Diagnostics, LLC DBA Color Health
Classification: Likely benign for Hereditary cancer-predisposing syndrome. Last evaluated: 2016-08-29. Review status: criteria provided, single submitter. Criteria: ACMG Guidelines, 2015. Collection method: clinical testing. Allele origin: germline.

Ambry Genetics
Classification: Likely benign for Hereditary cancer-predisposing syndrome. Last evaluated: 2014-09-04. Review status: criteria provided, single submitter. Criteria: Ambry Variant Classification Scheme 2023. Collection method: clinical testing. Allele origin: germline.

Department of Pathology and Laboratory Medicine, Sinai Health System
Classification: Uncertain significance for Malignant tumor of breast. Review status: no assertion criteria provided. Collection method: clinical testing. Allele origin: unknown. Affected: yes. Study: The Canadian Open Genetics Repository (COGR). Not counted in ClinVar's aggregate classification.
Comment: The CDH1 p.Glu682= variant was not identified in the literature nor was it identified in the Cosmic or Zhejiang University databases. The variant was also identified in dbSNP (ID: rs753209043) as "With Likely benign allele", and in ClinVar (classified as likely benign by Invitae, Ambry Genetics, Color and GeneDx). The variant was identified in control databases in 2 of 246254 chromosomes at a frequency of 0.000008 (Genome Aggregation Database Feb 27, 2017). The variant was observed in the European population in 2 of 111712 chromosomes (freq: 0.00002); it was not observed in the African, Other, Latino, Ashkenazi Jewish, East Asian, Finnish, and South Asian populations. The p.Glu682= variant is not expected to have clinical significance because it does not result in a change of amino acid and is not located in a known consensus splice site. The variant occurs outside of the splicing consensus sequence but 3 of 5 in silico or computational prediction software programs (SpliceSiteFinder, MaxEntScan, NNSPLICE, GeneSplicer) predict a greater than 10% difference in splicing. However, this information is not predictive enough to assume pathogenicity. In summary, based on the above information the clinical significance of this variant cannot be determined with certainty at this time. This variant is classified as a variant of uncertain significance.